The following is an entry in ClinVar:

NM_004525.3(LRP2):c.1969C>A (p.Pro657Thr)

Gene: LRP2 (LDL receptor related protein 2; minus strand). Cytogenetic location: 2q31.1.
Variant type: single nucleotide variant.
Coding change: c.1969C>A on transcript NM_004525.3 (MANE Select); coding-DNA position 1969, C replaced by A.
Protein change: p.Pro657Thr; replaces proline 657 with threonine.
Molecular consequence: missense variant.
Genome position (GRCh38, 1-based): chr2:169,275,042, G>T on the plus strand (C>A on the coding strand, the complement: LRP2 is on the minus strand). VCF-style: chr2-169275042-G-T. GRCh37 (hg19) VCF-style: chr2-170131552-G-T.
Other names: short protein forms P657T.
Identifiers: ClinVar variation 1405794 (VCV001405794.8), dbSNP rs2105443600, ClinGen allele CA349142925.

ClinVar aggregate classification (germline): Uncertain significance (1 of 4 stars; one submission).

Submission:

Labcorp Genetics (formerly Invitae), Labcorp
Classification: Uncertain significance. Last evaluated: 2021-07-26. Review status: criteria provided, single submitter. Criteria: Invitae Variant Classification Sherloc (09022015). Collection method: clinical testing. Allele origin: germline.
Comment: This variant is not present in population databases (ExAC no frequency). This sequence change replaces proline with threonine at codon 657 of the LRP2 protein (p.Pro657Thr). The proline residue is highly conserved and there is a small physicochemical difference between proline and threonine. In summary, the available evidence is currently insufficient to determine the role of this variant in disease. Therefore, it has been classified as a Variant of Uncertain Significance. Advanced modeling of protein sequence and biophysical properties (such as structural, functional, and spatial information, amino acid conservation, physicochemical variation, residue mobility, and thermodynamic stability) performed at Invitae indicates that this missense variant is expected to disrupt LRP2 protein function. This variant has not been reported in the literature in individuals affected with LRP2-related conditions.